The following is an entry in ClinVar:

ClinVar aggregate classification (germline): Conflicting classifications of pathogenicity. Review status: criteria provided, conflicting classifications (1 of 4 stars). 2 submissions from 2 submitters: Uncertain significance (1); Likely benign (1). Last evaluated 2025-09-27.

Conditions:
Inborn genetic diseases. Identifiers: MedGen C0950123, MeSH D030342.

Allele frequency attached by ClinVar (database versions not stated): TOPMed below 0.00001; gnomAD exomes 0.00001; ExAC 0.00002; gnomAD 0.00003; 1000 Genomes Project 30x 0.00031; 1000 Genomes Project 0.00040.
gnomAD v4.1: 16 of 1,605,290 alleles (0.001%); highest among the groups gnomAD compares: Middle Eastern, 0.017%; no homozygotes.

Submissions (2):

Labcorp Genetics (formerly Invitae), Labcorp
Classification: Uncertain significance. Last evaluated: 2025-09-27. Review status: criteria provided, single submitter. Criteria: Invitae Variant Classification Sherloc (09022015). Collection method: clinical testing. Allele origin: germline.
Comment: This sequence change replaces asparagine, which is neutral and polar, with serine, which is neutral and polar, at codon 1077 of the PCLO protein (p.Asn1077Ser). This variant is present in population databases (rs145768205, gnomAD 0.009%). This variant has not been reported in the literature in individuals affected with PCLO-related conditions. ClinVar contains an entry for this variant (Variation ID: 3210273). An algorithm developed to predict the effect of missense changes on protein structure and function outputs the following: PolyPhen-2: "Not Available". The serine amino acid residue is found in multiple mammalian species, which suggests that this missense change does not adversely affect protein function. In summary, the available evidence is currently insufficient to determine the role of this variant in disease. Therefore, it has been classified as a Variant of Uncertain Significance.

Ambry Genetics
Classification: Likely benign for Inborn genetic diseases. Last evaluated: 2024-01-08. Review status: criteria provided, single submitter. Criteria: Ambry Variant Classification Scheme 2023. Collection method: clinical testing. Allele origin: germline.

NM_033026.6(PCLO):c.3230A>G (p.Asn1077Ser)

Gene: PCLO (piccolo presynaptic cytomatrix protein; minus strand). Cytogenetic location: 7q21.11.
Variant type: single nucleotide variant.
Coding change: c.3230A>G on transcript NM_033026.6 (MANE Select); coding-DNA position 3230, A replaced by G.
Protein change: p.Asn1077Ser; replaces asparagine 1077 with serine.
Molecular consequence: missense variant.
Genome position (GRCh38, 1-based): chr7:83,134,320, T>C on the plus strand (A>G on the coding strand, the complement: PCLO is on the minus strand). VCF-style: chr7-83134320-T-C. GRCh37 (hg19) VCF-style: chr7-82763636-T-C.
Other names: c.3230A>G, p.Asn1077Ser (NM_014510.3); short protein forms N1077S.
Identifiers: ClinVar variation 3210273 (VCV003210273.2), dbSNP rs145768205, ClinGen allele CA4321115.